The following is an entry in ClinVar:

ClinVar aggregate classification (germline): Uncertain significance (1 of 4 stars; one submission).

Conditions:
Inborn genetic diseases. Identifiers: MedGen C0950123, MeSH D030342.

Submission:

Ambry Genetics
Classification: Uncertain significance for Inborn genetic diseases. Last evaluated: 2022-12-29. Review status: criteria provided, single submitter. Criteria: Ambry Variant Classification Scheme 2023. Collection method: clinical testing. Allele origin: germline.
Comment: The p.M121K variant (also known as c.362T>A), located in coding exon 4 of the LRRK2 gene, results from a T to A substitution at nucleotide position 362. The methionine at codon 121 is replaced by lysine, an amino acid with similar properties. This amino acid position is conserved. In addition, the in silico prediction for this alteration is inconclusive. Since supporting evidence is limited at this time, the clinical significance of this alteration remains unclear.

NM_198578.4(LRRK2):c.362T>A (p.Met121Lys)

Gene: LRRK2 (leucine rich repeat kinase 2; plus strand). Cytogenetic location: 12q12.
Variant type: single nucleotide variant.
Coding change: c.362T>A on transcript NM_198578.4 (MANE Select); coding-DNA position 362, T replaced by A.
Protein change: p.Met121Lys; replaces methionine 121 with lysine.
Molecular consequence: missense variant.
Genome position (GRCh38, 1-based): chr12:40,235,640, T>A. VCF-style: chr12-40235640-T-A. GRCh37 (hg19) VCF-style: chr12-40629442-T-A.
Other names: short protein forms M121K.
Identifiers: ClinVar variation 2453073 (VCV002453073.2), dbSNP rs2499402877, ClinGen allele CA384402660.